The following is an entry in ClinVar:

NM_002242.4(KCNJ13):c.264T>A (p.Asp88Glu)

Genes: GIGYF2 (GRB10 interacting GYF protein 2; plus strand), KCNJ13 (potassium inwardly rectifying channel subfamily J member 13; minus strand). Cytogenetic location: 2q37.1.
Variant type: single nucleotide variant.
Coding change: c.264T>A on transcript NM_002242.4 (MANE Select); coding-DNA position 264, T replaced by A.
Protein change: p.Asp88Glu; replaces aspartic acid 88 with glutamic acid.
Molecular consequence: missense variant. On other transcripts: intron variant (5).
Genome position (GRCh38, 1-based): chr2:232,771,099, A>T on the plus strand (T>A on the coding strand, the complement: KCNJ13 is on the minus strand). VCF-style: chr2-232771099-A-T. GRCh37 (hg19) VCF-style: chr2-233635809-A-T.
Other names: c.24T>A, p.Asp8Glu (NM_001172417.1); c.532+9663A>T (NM_001103146.3, NM_015575.4, NM_001103148.2); c.533-5313A>T (NM_001103147.2); c.224+40T>A (NM_001172416.1); short protein forms D88E, D8E.
Identifiers: ClinVar variation 3349114 (VCV003349114.1).

ClinVar aggregate classification (germline): Uncertain significance (0 of 4 stars; one submission).

Conditions:
KCNJ13-related condition.

Submission:

PreventionGenetics, part of Exact Sciences
Classification: Uncertain significance for KCNJ13-related condition. Last evaluated: 2024-03-27. Review status: no assertion criteria provided. Collection method: clinical testing. Allele origin: germline.
Comment: The KCNJ13 c.264T>A variant is predicted to result in the amino acid substitution p.Asp88Glu. To our knowledge, this variant has not been reported in the literature or in a large population database, indicating this variant is rare. At this time, the clinical significance of this variant is uncertain due to the absence of conclusive functional and genetic evidence.